The following is an entry in ClinVar:

ClinVar aggregate classification (germline): Benign/Likely benign. Review status: criteria provided, multiple submitters, no conflicts (2 of 4 stars). 3 submissions from 3 submitters: Benign (2); Likely benign (1). Last evaluated 2025-11-09.

Conditions:
Ehlers-Danlos syndrome, classic type, 1 (EDSCL1). Also called: Ehlers-Danlos syndrome, type 1; Ehlers-Danlos Syndrome, Classic Type, COL5A1-Related; EDS I; EHLERS-DANLOS SYNDROME, GRAVIS TYPE; EHLERS-DANLOS SYNDROME, SEVERE CLASSIC TYPE. Identifiers: MedGen C0268335, MONDO:0019567, OMIM 130000.
Ehlers-Danlos syndrome, classic type, 2 (EDSCL2). Also called: Ehlers-Danlos syndrome type 2 (formerly); Ehlers-Danlos syndrome, type 2; Ehlers-Danlos Syndrome, Classic Type, COL5A2-Related. Identifiers: Orphanet 287, Orphanet 90318, MedGen C0268336, MONDO:0019568, OMIM 130010.

Allele frequency attached by ClinVar (database versions not stated): gnomAD exomes 0.00007 and 0.00003; gnomAD 0.00005 and 0.00006; ExAC 0.00009; TOPMed 0.00005.
gnomAD v4.1: 54 of 1,613,708 alleles (0.0033%); highest among the groups gnomAD compares: Admixed American, 0.0017%; no homozygotes.

Submissions (3):

Labcorp Genetics (formerly Invitae), Labcorp
Classification: Benign for Ehlers-Danlos syndrome, classic type, 1. Last evaluated: 2025-11-09. Review status: criteria provided, single submitter. Criteria: Invitae Variant Classification Sherloc (09022015). Collection method: clinical testing. Allele origin: germline.

Illumina Laboratory Services, Illumina
Classification: Likely benign for Ehlers-Danlos syndrome, classic type, 2. Last evaluated: 2018-01-13. Review status: criteria provided, single submitter. Criteria: ICSL Variant Classification Criteria 13 December 2019. Collection method: clinical testing. Allele origin: germline.
Comment: This variant was observed in the ICSL laboratory as part of a predisposition screen in an ostensibly healthy population. It had not been previously curated by ICSL or reported in the Human Gene Mutation Database (HGMD: prior to June 1st, 2018), and was therefore a candidate for classification through an automated scoring system. Utilizing variant allele frequency, disease prevalence and penetrance estimates, and inheritance mode, an automated score was calculated to assess if this variant is too frequent to cause the disease. Based on the score and internal cut-off values, a variant classified as likely benign is not then subjected to further curation. The score for this variant resulted in a classification of likely benign for this disease.

GeneDx
Classification: Benign. Last evaluated: 2014-06-06. Review status: criteria provided, single submitter. Criteria: GeneDx Variant Classification (06012015). Collection method: clinical testing. Allele origin: germline. Affected: yes.
Comment: This variant is considered likely benign or benign based on one or more of the following criteria: it is a conservative change, it occurs at a poorly conserved position in the protein, it is predicted to be benign by multiple in silico algorithms, and/or has population frequency not consistent with disease.

NM_000393.5(COL5A2):c.4114-11T>C

Gene: COL5A2 (collagen type V alpha 2 chain; minus strand). Cytogenetic location: 2q32.2.
Variant type: single nucleotide variant.
Coding change: c.4114-11T>C on transcript NM_000393.5 (MANE Select); 11 bases into the intron before coding-DNA position 4114, T replaced by C.
Molecular consequence: intron variant.
Genome position (GRCh38, 1-based): chr2:189,035,166, A>G on the plus strand (T>C on the coding strand, the complement: COL5A2 is on the minus strand). VCF-style: chr2-189035166-A-G. GRCh37 (hg19) VCF-style: chr2-189899892-A-G.
Identifiers: ClinVar variation 136956 (VCV000136956.12), dbSNP rs587780908, ClinGen allele CA290399.
Genomic context (GRCh38, chr2:189,035,166, plus strand): 5'-GTCATCTGAGTAATGGCTGTATTAGGTGATTGGTGGTCTCCATAAGCGAACTAGAAAAAC[A>G]AAGAGTCTTTGTCATACACAAGACTGAAGGGTTTCATAATGCCTTACACATGTATAGATA-3'